The following is an entry in ClinVar:

NM_015102.5(NPHP4):c.2674C>G (p.Leu892Val)

Gene: NPHP4 (nephrocystin 4; minus strand). Cytogenetic location: 1p36.31.
Variant type: single nucleotide variant.
Coding change: c.2674C>G on transcript NM_015102.5 (MANE Select); coding-DNA position 2674, C replaced by G.
Protein change: p.Leu892Val; replaces leucine 892 with valine.
Molecular consequence: missense variant. On other transcripts: non-coding transcript variant (1).
Genome position (GRCh38, 1-based): chr1:5,877,236, G>C on the plus strand (C>G on the coding strand, the complement: NPHP4 is on the minus strand). VCF-style: chr1-5877236-G-C. GRCh37 (hg19) VCF-style: chr1-5937296-G-C.
Other names: c.1135C>G, p.Leu379Val (NM_001291593.2); c.1138C>G, p.Leu380Val (NM_001291594.2); short protein forms L379V, L380V, L892V.
Identifiers: ClinVar variation 1004541 (VCV001004541.11), dbSNP rs752244601, ClinGen allele CA338057438.

ClinVar aggregate classification (germline): Uncertain significance. Review status: criteria provided, multiple submitters, no conflicts (2 of 4 stars). 2 submissions from 2 submitters: Uncertain significance (2). Last evaluated 2024-01-09.

Conditions:
Nephronophthisis 4 (NPHP4). Also called: NEPHRONOPHTHISIS 4, JUVENILE. Identifiers: Orphanet 655, MedGen C1847013, MONDO:0011752, OMIM 606966.
Senior-Loken syndrome 4 (SLSN4). Identifiers: Orphanet 3156, MedGen C1846979, MONDO:0011756, OMIM 606996.
Nephronophthisis. Also called: Juvenile Nephronophthisis. Identifiers: Orphanet 655, MedGen C0687120, MONDO:0019005, HP:0000090.

Submissions (2):

Fulgent Genetics
Classification: Uncertain significance for Nephronophthisis 4; Senior-Loken syndrome 4. Last evaluated: 2024-01-09. Review status: criteria provided, single submitter. Criteria: ACMG Guidelines, 2015. Collection method: clinical testing. Allele origin: germline.

Labcorp Genetics (formerly Invitae), Labcorp
Classification: Uncertain significance for Nephronophthisis. Last evaluated: 2022-09-19. Review status: criteria provided, single submitter. Criteria: Invitae Variant Classification Sherloc (09022015). Collection method: clinical testing. Allele origin: germline.
Comment: In summary, the available evidence is currently insufficient to determine the role of this variant in disease. Therefore, it has been classified as a Variant of Uncertain Significance. Algorithms developed to predict the effect of sequence changes on RNA splicing suggest that this variant may create or strengthen a splice site. Advanced modeling of protein sequence and biophysical properties (such as structural, functional, and spatial information, amino acid conservation, physicochemical variation, residue mobility, and thermodynamic stability) performed at Invitae indicates that this missense variant is not expected to disrupt NPHP4 protein function. ClinVar contains an entry for this variant (Variation ID: 1004541). This variant has not been reported in the literature in individuals affected with NPHP4-related conditions. This variant is not present in population databases (gnomAD no frequency). This sequence change replaces leucine, which is neutral and non-polar, with valine, which is neutral and non-polar, at codon 892 of the NPHP4 protein (p.Leu892Val).